The following is an entry in ClinVar:

NM_183357.3(ADCY5):c.1268G>A (p.Arg423Gln)

Gene: ADCY5 (adenylate cyclase 5; minus strand). Cytogenetic location: 3q21.1.
Variant type: single nucleotide variant.
Coding change: c.1268G>A on transcript NM_183357.3 (MANE Select); coding-DNA position 1268, G replaced by A.
Protein change: p.Arg423Gln; replaces arginine 423 with glutamine.
Molecular consequence: missense variant.
Genome position (GRCh38, 1-based): chr3:123,352,448, C>T on the plus strand (G>A on the coding strand, the complement: ADCY5 is on the minus strand). VCF-style: chr3-123352448-C-T. GRCh37 (hg19) VCF-style: chr3-123071295-C-T.
Other names: c.218G>A, p.Arg73Gln (NM_001199642.1); c.1268G>A, p.Arg423Gln (NM_001378259.1); c.1268G>A (NM_183357.2); short protein forms R73Q, R423Q.
Identifiers: ClinVar variation 3024008 (VCV003024008.4), dbSNP rs199785976, ClinGen allele CA2577517.

ClinVar aggregate classification (germline): Uncertain significance. Review status: criteria provided, multiple submitters, no conflicts (2 of 4 stars). 2 submissions from 2 submitters: Uncertain significance (2). Last evaluated 2026-03-19.

Conditions:
Inborn genetic diseases. Identifiers: MedGen C0950123, MeSH D030342.

Allele frequency attached by ClinVar (database versions not stated): gnomAD 0.00002; TOPMed 0.00002; 1000 Genomes Project 0.00020; gnomAD exomes 0.00006; ExAC 0.00006; 1000 Genomes Project 30x 0.00016.
gnomAD v4.1: 88 of 1,612,892 alleles (0.0055%); highest among the groups gnomAD compares: South Asian, 0.033%; 1 homozygote.

Submissions (2):

Ambry Genetics
Classification: Uncertain significance for Inborn genetic diseases. Last evaluated: 2026-03-19. Review status: criteria provided, single submitter. Criteria: Ambry Variant Classification Scheme 2023. Collection method: clinical testing. Allele origin: germline.
Comment: The c.1268G>A (p.R423Q) alteration is located in exon 2 (coding exon 2) of the ADCY5 gene. This alteration results from a G to A substitution at nucleotide position 1268, causing the arginine (R) at amino acid position 423 to be replaced by a glutamine (Q). Based on data from gnomAD, the A allele has an overall frequency of 0.004% (11/281376) total alleles studied. The highest observed frequency was 0.016% (5/30568) of South Asian alleles. Based on insufficient or conflicting evidence, the clinical significance of this alteration remains unclear.

Labcorp Genetics (formerly Invitae), Labcorp
Classification: Uncertain significance. Last evaluated: 2025-03-17. Review status: criteria provided, single submitter. Criteria: Invitae Variant Classification Sherloc (09022015). Collection method: clinical testing. Allele origin: germline.
Comment: This sequence change replaces arginine, which is basic and polar, with glutamine, which is neutral and polar, at codon 423 of the ADCY5 protein (p.Arg423Gln). This variant is present in population databases (rs199785976, gnomAD 0.02%). This variant has not been reported in the literature in individuals affected with ADCY5-related conditions. ClinVar contains an entry for this variant (Variation ID: 3024008). Invitae Evidence Modeling of protein sequence and biophysical properties (such as structural, functional, and spatial information, amino acid conservation, physicochemical variation, residue mobility, and thermodynamic stability) has been performed for this missense variant. However, the output from this modeling did not meet the statistical confidence thresholds required to predict the impact of this variant on ADCY5 protein function. In summary, the available evidence is currently insufficient to determine the role of this variant in disease. Therefore, it has been classified as a Variant of Uncertain Significance.